The following is an entry in ClinVar:

NM_001267550.2(TTN):c.27700del (p.Ile9234fs)

Gene: TTN (titin; minus strand). Cytogenetic location: 2q31.2.
Variant type: Deletion.
Coding change: c.27700del on transcript NM_001267550.2 (MANE Select); coding-DNA position 27700, one base deleted (A; older notation c.27700delA).
Protein change: p.Ile9234fs; shifts the reading frame from isoleucine 9234.
Molecular consequence: frameshift variant. On other transcripts: intron variant (3).
Genome position (GRCh38, 1-based): chr2:178,712,130, T deleted on the plus strand (A on the coding strand, the reverse complement: TTN is on the minus strand); the first of 3 consecutive T bases (chr2:178,712,130-178,712,132); deleting any one gives the same sequence. VCF-style (leftmost placement, unchanged base first): chr2-178712129-AT-A. GRCh37 (hg19) VCF-style: chr2-179576856-AT-A.
Other names: c.26749del, p.Ile8917fs (NM_001256850.1); c.23968del, p.Ile7990fs (NM_133378.4); c.13282+25952del (NM_003319.4); c.13858+25952del (NM_133437.4); c.13657+25952del (NM_133432.3); short protein forms I7990fs, I8917fs, I9234fs.
Identifiers: ClinVar variation 3753550 (VCV003753550.2).
Genomic context (GRCh38, chr2:178,712,129, plus strand): 5'-TGCATTTTGTAAGTCGTAGTGGGTCTCAATTTTGTATCTCCTTTATACCAGGATACCCCA[AT>A]TTCAGGGGTTCCAGCAAGCTGGCATTGTAGAGAGGCAGAATCTCCAACAGACACCTTAAC-3'

ClinVar aggregate classification (germline): Likely pathogenic (1 of 4 stars; one submission).

Conditions:
Autosomal recessive limb-girdle muscular dystrophy type 2J (LGMDR10). Also called: Limb-girdle muscular dystrophy, type 2J; MUSCULAR DYSTROPHY, LIMB-GIRDLE, AUTOSOMAL RECESSIVE 10. Identifiers: Orphanet 140922, MedGen C1837342, MONDO:0012127, OMIM 608807.
Dilated cardiomyopathy 1G (CMD1G). Identifiers: Orphanet 154, MedGen C1858763, MONDO:0011400, OMIM 604145.

Submission:

Labcorp Genetics (formerly Invitae), Labcorp
Classification: Likely pathogenic for Dilated cardiomyopathy 1G; Autosomal recessive limb-girdle muscular dystrophy type 2J. Last evaluated: 2024-02-06. Review status: criteria provided, single submitter. Criteria: Invitae Variant Classification Sherloc (09022015). Collection method: clinical testing. Allele origin: germline.
Comment: This sequence change creates a premature translational stop signal (p.Ile9234Leufs*12) in the TTN gene. While this is not anticipated to result in nonsense mediated decay, it is expected to create a truncated TTN protein. This variant is not present in population databases (gnomAD no frequency). This variant has not been reported in the literature in individuals affected with TTN-related conditions. This variant is located in the I band of TTN (PMID: 25589632). Truncating variants in this region have been reported in individuals affected with autosomal recessive centronuclear myopathy (PMID: 23975875, Invitae internal data). Truncating variants in this region have also been identified in individuals affected with autosomal dominant dilated cardiomyopathy and/or cardio-related conditions (PMID: 27869827, 32964742, Invitae internal data). In summary, the currently available evidence indicates that the variant is pathogenic, but additional data are needed to prove that conclusively. Therefore, this variant has been classified as Likely Pathogenic.

Literature cited by the submitters: PubMed 25589632; PubMed 23975875; PubMed 27869827; PubMed 32964742.